The following is an entry in ClinVar:

ClinVar aggregate classification (germline): Uncertain significance (1 of 4 stars; one submission).

Allele frequency attached by ClinVar (database versions not stated): ExAC 0.00003; TOPMed below 0.00001; gnomAD 0.00001; gnomAD exomes 0.00004.
gnomAD v4.1: 51 of 1,613,700 alleles (0.0032%); highest among the groups gnomAD compares: East Asian, 0.0067%; no homozygotes.

Submission:

Labcorp Genetics (formerly Invitae), Labcorp
Classification: Uncertain significance. Last evaluated: 2025-10-01. Review status: criteria provided, single submitter. Criteria: Invitae Variant Classification Sherloc (09022015). Collection method: clinical testing. Allele origin: germline.
Comment: This sequence change replaces threonine, which is neutral and polar, with methionine, which is neutral and non-polar, at codon 513 of the AP3D1 protein (p.Thr513Met). This variant is present in population databases (rs749496590, gnomAD 0.006%). This variant has not been reported in the literature in individuals affected with AP3D1-related conditions. ClinVar contains an entry for this variant (Variation ID: 2722205). An algorithm developed to predict the effect of missense changes on protein structure and function (PolyPhen-2) suggests that this variant is likely to be tolerated. In summary, the available evidence is currently insufficient to determine the role of this variant in disease. Therefore, it has been classified as a Variant of Uncertain Significance.

NM_001261826.3(AP3D1):c.1538C>T (p.Thr513Met)

Gene: AP3D1 (adaptor related protein complex 3 subunit delta 1; minus strand). Cytogenetic location: 19p13.3.
Variant type: single nucleotide variant.
Coding change: c.1538C>T on transcript NM_001261826.3 (MANE Select); coding-DNA position 1538, C replaced by T.
Protein change: p.Thr513Met; replaces threonine 513 with methionine.
Molecular consequence: missense variant.
Genome position (GRCh38, 1-based): chr19:2,118,776, G>A on the plus strand (C>T on the coding strand, the complement: AP3D1 is on the minus strand). VCF-style: chr19-2118776-G-A. GRCh37 (hg19) VCF-style: chr19-2118775-G-A.
Other names: c.1538C>T, p.Thr513Met (NM_001374799.1, NM_003938.8); short protein forms T513M.
Identifiers: ClinVar variation 2722205 (VCV002722205.3), dbSNP rs749496590, ClinGen allele CA9059278.